The following is an entry in ClinVar:

NM_016562.4(TLR7):c.2105A>G (p.Glu702Gly)

Gene: TLR7 (toll like receptor 7; plus strand). Cytogenetic location: Xp22.2.
Variant type: single nucleotide variant.
Coding change: c.2105A>G on transcript NM_016562.4 (MANE Select); coding-DNA position 2105, A replaced by G.
Protein change: p.Glu702Gly; replaces glutamic acid 702 with glycine.
Molecular consequence: missense variant.
Genome position (GRCh38, 1-based): chrX:12,887,613, A>G. VCF-style: chrX-12887613-A-G. GRCh37 (hg19) VCF-style: chrX-12905732-A-G.
Other names: short protein forms E702G.
Identifiers: ClinVar variation 2777366 (VCV002777366.3), dbSNP rs1237852325, ClinGen allele CA412409490.

ClinVar aggregate classification (germline): Uncertain significance (1 of 4 stars; one submission).

Allele frequency attached by ClinVar (database versions not stated): TOPMed below 0.00001.

Submission:

Labcorp Genetics (formerly Invitae), Labcorp
Classification: Uncertain significance. Last evaluated: 2025-12-17. Review status: criteria provided, single submitter. Criteria: Invitae Variant Classification Sherloc (09022015). Collection method: clinical testing. Allele origin: germline.
Comment: This sequence change replaces glutamic acid, which is acidic and polar, with glycine, which is neutral and non-polar, at codon 702 of the TLR7 protein (p.Glu702Gly). This variant is not present in population databases (gnomAD no frequency). This variant has not been reported in the literature in individuals affected with TLR7-related conditions. ClinVar contains an entry for this variant (Variation ID: 2777366). An algorithm developed to predict the effect of missense changes on protein structure and function (PolyPhen-2) suggests that this variant is likely to be tolerated. In summary, the available evidence is currently insufficient to determine the role of this variant in disease. Therefore, it has been classified as a Variant of Uncertain Significance.